The following is an entry in ClinVar:

ClinVar aggregate classification (germline): Conflicting classifications of pathogenicity. Review status: criteria provided, conflicting classifications (1 of 4 stars). 2 submissions from 2 submitters: Uncertain significance (1); Likely benign (1). Last evaluated 2024-01-22.

Conditions:
Inborn genetic diseases. Identifiers: MedGen C0950123, MeSH D030342.
Immunodeficiency, common variable, 7. Identifiers: Orphanet 1572, Orphanet 696894, MedGen C3542922, MONDO:0013862, OMIM 614699.

Allele frequency attached by ClinVar (database versions not stated): ExAC 0.00004; gnomAD 0.00005 and 0.00006; gnomAD exomes 0.00006; TOPMed 0.00006.
gnomAD v4.1: 43 of 1,613,810 alleles (0.0027%); highest among the groups gnomAD compares: Admixed American, 0.015%; no homozygotes.

Submissions (2):

Labcorp Genetics (formerly Invitae), Labcorp
Classification: Uncertain significance for Immunodeficiency, common variable, 7. Last evaluated: 2024-01-22. Review status: criteria provided, single submitter. Criteria: Invitae Variant Classification Sherloc (09022015). Collection method: clinical testing. Allele origin: germline.
Comment: This sequence change replaces arginine, which is basic and polar, with histidine, which is basic and polar, at codon 736 of the CR2 protein (p.Arg736His). This variant is present in population databases (rs750302661, gnomAD 0.03%). This variant has not been reported in the literature in individuals affected with CR2-related conditions. ClinVar contains an entry for this variant (Variation ID: 941373). Algorithms developed to predict the effect of missense changes on protein structure and function output the following: SIFT: "Not Available"; PolyPhen-2: "Benign"; Align-GVGD: "Not Available". The histidine amino acid residue is found in multiple mammalian species, which suggests that this missense change does not adversely affect protein function. In summary, the available evidence is currently insufficient to determine the role of this variant in disease. Therefore, it has been classified as a Variant of Uncertain Significance.

Ambry Genetics
Classification: Likely benign for Inborn genetic diseases. Last evaluated: 2022-11-18. Review status: criteria provided, single submitter. Criteria: Ambry Variant Classification Scheme 2023. Collection method: clinical testing. Allele origin: germline.

NM_001006658.3(CR2):c.2207G>A (p.Arg736His)

Gene: CR2 (complement C3d receptor 2; plus strand). Cytogenetic location: 1q32.2.
Variant type: single nucleotide variant.
Coding change: c.2207G>A on transcript NM_001006658.3 (MANE Select); coding-DNA position 2207, G replaced by A.
Protein change: p.Arg736His; replaces arginine 736 with histidine.
Molecular consequence: missense variant.
Genome position (GRCh38, 1-based): chr1:207,473,852, G>A. VCF-style: chr1-207473852-G-A. GRCh37 (hg19) VCF-style: chr1-207647197-G-A.
Other names: c.2030G>A, p.Arg677His (NM_001877.5); short protein forms R677H, R736H.
Identifiers: ClinVar variation 941373 (VCV000941373.4), dbSNP rs750302661, ClinGen allele CA1368909.